The following is an entry in ClinVar:

NM_001903.5(CTNNA1):c.571G>A (p.Ala191Thr)

Gene: CTNNA1 (catenin alpha 1; plus strand). Cytogenetic location: 5q31.2.
Variant type: single nucleotide variant.
Coding change: c.571G>A on transcript NM_001903.5 (MANE Select); coding-DNA position 571, G replaced by A.
Protein change: p.Ala191Thr; replaces alanine 191 with threonine.
Molecular consequence: missense variant.
Genome position (GRCh38, 1-based): chr5:138,812,285, G>A. VCF-style: chr5-138812285-G-A. GRCh37 (hg19) VCF-style: chr5-138147974-G-A.
Other names: c.571G>A (NM_001903.2); c.571G>A, p.Ala191Thr (NM_001290307.3, NM_001323982.2, NM_001323983.1 and 3 more transcripts); c.262G>A, p.Ala88Thr (NM_001290309.3); c.202G>A, p.Ala68Thr (NM_001290310.3); short protein forms A68T, A191T, A88T.
Identifiers: ClinVar variation 951317 (VCV000951317.11), dbSNP rs1378674814, ClinGen allele CA361125610.

ClinVar aggregate classification (germline): Uncertain significance. Review status: criteria provided, multiple submitters, no conflicts (2 of 4 stars). 3 submissions from 3 submitters: Uncertain significance (3). Last evaluated 2025-11-24.

Conditions:
Hereditary cancer-predisposing syndrome. Also called: Tumor predisposition; Hereditary neoplastic syndrome; Neoplastic Syndromes, Hereditary; Hereditary Cancer Syndrome. Identifiers: Orphanet 140162, MedGen C0027672, MeSH D009386, MONDO:0015356.
Patterned macular dystrophy 2. Identifiers: Orphanet 99001, MedGen C1837029, MONDO:0012162, OMIM 608970.

Allele frequency attached by ClinVar (database versions not stated): gnomAD 0.00001.

Submissions (3):

Ambry Genetics
Classification: Uncertain significance for Hereditary cancer-predisposing syndrome. Last evaluated: 2025-11-24. Review status: criteria provided, single submitter. Criteria: Ambry Variant Classification Scheme 2023. Collection method: clinical testing. Allele origin: germline.
Comment: The p.A191T variant (also known as c.571G>A), located in coding exon 4 of the CTNNA1 gene, results from a G to A substitution at nucleotide position 571. The alanine at codon 191 is replaced by threonine, an amino acid with similar properties. This amino acid position is conserved. In addition, this alteration is predicted to be tolerated by in silico analysis. Based on the available evidence, the clinical significance of this variant remains unclear.

Labcorp Genetics (formerly Invitae), Labcorp
Classification: Uncertain significance. Last evaluated: 2025-06-15. Review status: criteria provided, single submitter. Criteria: Invitae Variant Classification Sherloc (09022015). Collection method: clinical testing. Allele origin: germline.
Comment: This sequence change replaces alanine, which is neutral and non-polar, with threonine, which is neutral and polar, at codon 191 of the CTNNA1 protein (p.Ala191Thr). This variant is present in population databases (no rsID available, gnomAD 0.007%). This variant has not been reported in the literature in individuals affected with CTNNA1-related conditions. ClinVar contains an entry for this variant (Variation ID: 951317). Invitae Evidence Modeling of protein sequence and biophysical properties (such as structural, functional, and spatial information, amino acid conservation, physicochemical variation, residue mobility, and thermodynamic stability) indicates that this missense variant is not expected to disrupt CTNNA1 protein function with a negative predictive value of 80%. In summary, the available evidence is currently insufficient to determine the role of this variant in disease. Therefore, it has been classified as a Variant of Uncertain Significance.

Baylor Genetics
Classification: Uncertain significance for Patterned macular dystrophy 2. Last evaluated: 2023-10-31. Review status: criteria provided, single submitter. Criteria: ACMG Guidelines, 2015. Collection method: clinical testing. Allele origin: unknown.